The following is an entry in ClinVar:

NM_020693.4(DSCAML1):c.6077C>T (p.Ser2026Leu)

Gene: DSCAML1 (DS cell adhesion molecule like 1; minus strand). Cytogenetic location: 11q23.3.
Variant type: single nucleotide variant.
Coding change: c.6077C>T on transcript NM_020693.4 (MANE Select); coding-DNA position 6077, C replaced by T.
Protein change: p.Ser2026Leu; replaces serine 2026 with leucine.
Molecular consequence: missense variant.
Genome position (GRCh38, 1-based): chr11:117,428,413, G>A on the plus strand (C>T on the coding strand, the complement: DSCAML1 is on the minus strand). VCF-style: chr11-117428413-G-A. GRCh37 (hg19) VCF-style: chr11-117299129-G-A.
Other names: short protein forms S2026L.
Identifiers: ClinVar variation 4703212 (VCV004703212.1).

ClinVar aggregate classification (germline): Uncertain significance (1 of 4 stars; one submission).

gnomAD v4.1: 22 of 1,562,902 alleles (0.0014%); highest among the groups gnomAD compares: South Asian, 0.0048%; no homozygotes.

Submission:

Labcorp Genetics (formerly Invitae), Labcorp
Classification: Uncertain significance. Last evaluated: 2025-10-09. Review status: criteria provided, single submitter. Criteria: Invitae Variant Classification Sherloc (09022015). Collection method: clinical testing. Allele origin: germline.
Comment: This sequence change replaces serine, which is neutral and polar, with leucine, which is neutral and non-polar, at codon 2086 of the DSCAML1 protein (p.Ser2086Leu). This variant is present in population databases (rs754834060, gnomAD 0.004%). This variant has not been reported in the literature in individuals affected with DSCAML1-related conditions. An algorithm developed to predict the effect of missense changes on protein structure and function (PolyPhen-2) suggests that this variant is likely to be tolerated. In summary, the available evidence is currently insufficient to determine the role of this variant in disease. Therefore, it has been classified as a Variant of Uncertain Significance.